The following is an entry in ClinVar:

ClinVar aggregate classification (germline): Pathogenic (1 of 4 stars; one submission).

Submission:

Labcorp Genetics (formerly Invitae), Labcorp
Classification: Pathogenic. Last evaluated: 2022-12-20. Review status: criteria provided, single submitter. Criteria: Invitae Variant Classification Sherloc (09022015). Collection method: clinical testing. Allele origin: germline.
Comment: For these reasons, this variant has been classified as Pathogenic. Algorithms developed to predict the effect of sequence changes on RNA splicing suggest that this variant may disrupt the consensus splice site. This variant is also known as c.129+1del. This variant has not been reported in the literature in individuals affected with CNGB3-related conditions. This variant is not present in population databases (gnomAD no frequency). This sequence change creates a premature translational stop signal (p.Glu44Lysfs*39) in the CNGB3 gene. It is expected to result in an absent or disrupted protein product. Loss-of-function variants in CNGB3 are known to be pathogenic (PMID: 28795510).

Literature cited by the submitters: PubMed 28795510.

NM_019098.5(CNGB3):c.129+1del

Gene: CNGB3 (cyclic nucleotide gated channel subunit beta 3; minus strand). Cytogenetic location: 8q21.3.
Variant type: Deletion.
Coding change: c.129+1del on transcript NM_019098.5 (MANE Select); the canonical splice donor site of the intron after coding-DNA position 129, one base deleted (G; older notation c.129+1delG).
Molecular consequence: splice donor variant.
Genome position (GRCh38, 1-based): chr8:86,743,498, C deleted on the plus strand (G on the coding strand, the reverse complement: CNGB3 is on the minus strand); the first of 2 consecutive C bases (chr8:86,743,498-86,743,499); deleting either gives the same sequence. VCF-style (leftmost placement, unchanged base first): chr8-86743497-AC-A. GRCh37 (hg19) VCF-style: chr8-87755725-AC-A.
Identifiers: ClinVar variation 2822748 (VCV002822748.3), dbSNP rs2538195950, ClinGen allele CA2687828113.
Genomic context (GRCh38, chr8:86,743,497, plus strand): 5'-ATGCTATTACCAGATAAGAAATGATGAAAATCAAGGCTTGCATAGGAATGTAGAGGACAT[AC>A]CTGTGCTGTGGTTTGCTGAGACTGATTACTTGGGTGAGAGCCTTCTTCATTCCGACGAGA-3'